The following is an entry in ClinVar:

ClinVar aggregate classification (germline): Uncertain significance (1 of 4 stars; one submission).

Allele frequency attached by ClinVar (database versions not stated): gnomAD exomes below 0.00001.
gnomAD v4.1: 1 of 1,614,134 alleles (0.000062%); highest among the groups gnomAD compares: Non-Finnish European, 0.000085%; no homozygotes.

Submission:

Labcorp Genetics (formerly Invitae), Labcorp
Classification: Uncertain significance. Last evaluated: 2019-10-11. Review status: criteria provided, single submitter. Criteria: Invitae Variant Classification Sherloc (09022015). Collection method: clinical testing. Allele origin: germline.
Comment: This variant has not been reported in the literature in individuals with CNGB1-related conditions. Algorithms developed to predict the effect of missense changes on protein structure and function (SIFT, PolyPhen-2, Align-GVGD) all suggest that this variant is likely to be tolerated, but these predictions have not been confirmed by published functional studies and their clinical significance is uncertain. In summary, the available evidence is currently insufficient to determine the role of this variant in disease. Therefore, it has been classified as a Variant of Uncertain Significance. This variant is not present in population databases (ExAC no frequency). This sequence change replaces glutamic acid with lysine at codon 57 of the CNGB1 protein (p.Glu57Lys). The glutamic acid residue is weakly conserved and there is a small physicochemical difference between glutamic acid and lysine.

NM_001297.5(CNGB1):c.169G>A (p.Glu57Lys)

Gene: CNGB1 (cyclic nucleotide gated channel subunit beta 1; minus strand). Cytogenetic location: 16q21.
Variant type: single nucleotide variant.
Coding change: c.169G>A on transcript NM_001297.5 (MANE Select); coding-DNA position 169, G replaced by A.
Protein change: p.Glu57Lys; replaces glutamic acid 57 with lysine.
Molecular consequence: missense variant.
Genome position (GRCh38, 1-based): chr16:57,964,535, C>T on the plus strand (G>A on the coding strand, the complement: CNGB1 is on the minus strand). VCF-style: chr16-57964535-C-T. GRCh37 (hg19) VCF-style: chr16-57998439-C-T.
Other names: c.169G>A, p.Glu57Lys (NM_001135639.2, NM_001286130.2); short protein forms E57K.
Identifiers: ClinVar variation 970040 (VCV000970040.9), dbSNP rs1173171736, ClinGen allele CA396080691.